The following is an entry in ClinVar:

NM_001170700.3(DTHD1):c.2119G>A (p.Asp707Asn)

Gene: DTHD1 (death domain containing 1; plus strand). Cytogenetic location: 4p14.
Variant type: single nucleotide variant.
Coding change: c.2119G>A on transcript NM_001170700.3 (MANE Select); coding-DNA position 2119, G replaced by A.
Protein change: p.Asp707Asn; replaces aspartic acid 707 with asparagine.
Molecular consequence: missense variant. On other transcripts: non-coding transcript variant (2).
Genome position (GRCh38, 1-based): chr4:36,316,265, G>A. VCF-style: chr4-36316265-G-A. GRCh37 (hg19) VCF-style: chr4-36317887-G-A.
Other names: c.1249G>A, p.Asp417Asn (NM_001136536.5); c.1186G>A, p.Asp396Asn (NM_001378435.1); short protein forms D707N, D417N, D396N.
Identifiers: ClinVar variation 1037461 (VCV001037461.7), dbSNP rs376420804, ClinGen allele CA2885710.

ClinVar aggregate classification (germline): Uncertain significance (1 of 4 stars; one submission).

Allele frequency attached by ClinVar (database versions not stated): gnomAD exomes 0.00003; ExAC 0.00005; TOPMed 0.00010; gnomAD 0.00011 and 0.00012; 1000 Genomes Project 30x 0.00016; 1000 Genomes Project 0.00020.
gnomAD v4.1: 26 of 1,551,476 alleles (0.0017%); highest among the groups gnomAD compares: African/African-American, 0.033%; no homozygotes.

Submission:

Labcorp Genetics (formerly Invitae), Labcorp
Classification: Uncertain significance. Last evaluated: 2026-01-24. Review status: criteria provided, single submitter. Criteria: Invitae Variant Classification Sherloc (09022015). Collection method: clinical testing. Allele origin: germline.
Comment: This sequence change replaces aspartic acid, which is acidic and polar, with asparagine, which is neutral and polar, at codon 417 of the DTHD1 protein (p.Asp417Asn). This variant is present in population databases (rs376420804, gnomAD 0.03%). This variant has not been reported in the literature in individuals affected with DTHD1-related conditions. ClinVar contains an entry for this variant (Variation ID: 1037461). An algorithm developed to predict the effect of missense changes on protein structure and function (PolyPhen-2) suggests that this variant is likely to be disruptive. In summary, the available evidence is currently insufficient to determine the role of this variant in disease. Therefore, it has been classified as a Variant of Uncertain Significance.